The following is an entry in ClinVar:

NM_172107.4(KCNQ2):c.1525+2T>C

Gene: KCNQ2 (potassium voltage-gated channel subfamily Q member 2; minus strand). Cytogenetic location: 20q13.33.
Variant type: single nucleotide variant.
Coding change: c.1525+2T>C on transcript NM_172107.4 (MANE Select); the canonical splice donor site of the intron after coding-DNA position 1525, T replaced by C.
Molecular consequence: splice donor variant.
Genome position (GRCh38, 1-based): chr20:63,414,901, A>G on the plus strand (T>C on the coding strand, the complement: KCNQ2 is on the minus strand). VCF-style: chr20-63414901-A-G. GRCh37 (hg19) VCF-style: chr20-62046254-A-G.
Other names: c.1441+2T>C (NM_004518.6); c.1435+2T>C (NM_172108.5); c.1471+2T>C (NM_172106.3, NM_001382235.1).
Identifiers: ClinVar variation 2086620 (VCV002086620.4), dbSNP rs1601572654, ClinGen allele CA409646014.

ClinVar aggregate classification (germline): Pathogenic (1 of 4 stars; one submission).

Conditions:
Early-infantile DEE. Also called: Ohtahara syndrome; Early infantile epileptic encephalopathy with suppression bursts; Early infantile epileptic encephalopathy. Identifiers: Orphanet 1934, MedGen C0393706, MONDO:0800491.

Submission:

Labcorp Genetics (formerly Invitae), Labcorp
Classification: Pathogenic for Early-infantile DEE. Last evaluated: 2022-05-25. Review status: criteria provided, single submitter. Criteria: Invitae Variant Classification Sherloc (09022015). Collection method: clinical testing. Allele origin: germline.
Comment: This variant is not present in population databases (gnomAD no frequency). This sequence change affects a donor splice site in intron 13 of the KCNQ2 gene. It is expected to disrupt RNA splicing. Variants that disrupt the donor or acceptor splice site typically lead to a loss of protein function (PMID: 16199547), and loss-of-function variants in KCNQ2 are known to be pathogenic (PMID: 14534157, 23692823, 27779742). Disruption of this splice site has been observed in individual(s) with benign familial neonatal epilepsy (BFNE) (PMID: 14985406, 25982755). It has also been observed to segregate with disease in related individuals. Algorithms developed to predict the effect of sequence changes on RNA splicing suggest that this variant may disrupt the consensus splice site. For these reasons, this variant has been classified as Pathogenic.

Literature cited by the submitters: PubMed 16199547; PubMed 14534157; PubMed 23692823; PubMed 27779742; PubMed 14985406; PubMed 25982755.